The following is an entry in ClinVar:

ClinVar aggregate classification (germline): Uncertain significance. Review status: criteria provided, multiple submitters, no conflicts (2 of 4 stars). 2 submissions from 2 submitters: Uncertain significance (2). Last evaluated 2024-10-15.

Conditions:
Acrocallosal syndrome (ACLS). Also called: HALLUX DUPLICATION, POSTAXIAL POLYDACTYLY, AND ABSENCE OF CORPUS CALLOSUM; Schinzel syndrome 1; Absence of corpus callosum with unusual facial appearance, mental deficiency, duplication of the halluces and polydactyly. Identifiers: Orphanet 36, MedGen C0796147, MONDO:0008708, OMIM 200990.

Submissions (2):

Labcorp Genetics (formerly Invitae), Labcorp
Classification: Uncertain significance for Acrocallosal syndrome. Last evaluated: 2024-10-15. Review status: criteria provided, single submitter. Criteria: Invitae Variant Classification Sherloc (09022015). Collection method: clinical testing. Allele origin: germline.
Comment: This sequence change replaces leucine, which is neutral and non-polar, with tryptophan, which is neutral and slightly polar, at codon 671 of the KIF7 protein (p.Leu671Trp). This variant is not present in population databases (gnomAD no frequency). This variant has not been reported in the literature in individuals affected with KIF7-related conditions. ClinVar contains an entry for this variant (Variation ID: 1002568). An algorithm developed to predict the effect of missense changes on protein structure and function (PolyPhen-2) suggests that this variant is likely to be disruptive. In summary, the available evidence is currently insufficient to determine the role of this variant in disease. Therefore, it has been classified as a Variant of Uncertain Significance.

GeneDx
Classification: Uncertain significance. Last evaluated: 2024-04-09. Review status: criteria provided, single submitter. Criteria: GeneDx Variant Classification Process June 2021. Collection method: clinical testing. Allele origin: germline. Affected: yes.
Comment: Not observed at significant frequency in large population cohorts (gnomAD); In silico analysis indicates that this missense variant does not alter protein structure/function; Has not been previously published as pathogenic or benign to our knowledge

NM_198525.3(KIF7):c.2012T>G (p.Leu671Trp)

Gene: KIF7 (kinesin family member 7; minus strand). Cytogenetic location: 15q26.1.
Variant type: single nucleotide variant.
Coding change: c.2012T>G on transcript NM_198525.3 (MANE Select); coding-DNA position 2012, T replaced by G.
Protein change: p.Leu671Trp; replaces leucine 671 with tryptophan.
Molecular consequence: missense variant.
Genome position (GRCh38, 1-based): chr15:89,645,362, A>C on the plus strand (T>G on the coding strand, the complement: KIF7 is on the minus strand). VCF-style: chr15-89645362-A-C. GRCh37 (hg19) VCF-style: chr15-90188593-A-C.
Other names: c.2012T>G (NM_198525.2); short protein forms L671W.
Identifiers: ClinVar variation 1002568 (VCV001002568.11), dbSNP rs1963993437, ClinGen allele CA393764008.
Genomic context (GRCh38, chr15:89,645,362, plus strand): 5'-GGAGGAGGCCCTCTCTGCATCCCACCCAGCTTACCTCTGGACCCTGGAATGGCTGCATCC[A>C]ACTCCTCAAGGCAAAGCTCTGGGCCCTTCCTCTCTGGCAGACTCCCTGGGCGTGCCCCCG-3'
Protein context (NP_940927.2, residues 661-681): RKGPELCLEE[Leu671Trp]DAAIPGSRAV